The following is an entry in ClinVar:

ClinVar aggregate classification (germline): Uncertain significance. Review status: criteria provided, multiple submitters, no conflicts (2 of 4 stars). 2 submissions from 2 submitters: Uncertain significance (2). Last evaluated 2025-12-01.

Conditions:
Neutropenia, severe congenital, 2, autosomal dominant. Identifiers: Orphanet 486, MedGen C2751288, MONDO:0013139, OMIM 613107.

Allele frequency attached by ClinVar (database versions not stated): ExAC 0.00001; gnomAD exomes 0.00001 and 0.00002; TOPMed 0.00002; gnomAD 0.00003; 1000 Genomes Project 30x 0.00016; 1000 Genomes Project 0.00020.
gnomAD v4.1: 40 of 1,611,968 alleles (0.0025%); highest among the groups gnomAD compares: African/African-American, 0.015%; no homozygotes.

Submissions (2):

Labcorp Genetics (formerly Invitae), Labcorp
Classification: Uncertain significance for Neutropenia, severe congenital, 2, autosomal dominant. Last evaluated: 2025-12-01. Review status: criteria provided, single submitter. Criteria: Invitae Variant Classification Sherloc (09022015). Collection method: clinical testing. Allele origin: germline.
Comment: This sequence change replaces glutamic acid, which is acidic and polar, with lysine, which is basic and polar, at codon 63 of the GFI1 protein (p.Glu63Lys). This variant is present in population databases (rs527842565, gnomAD 0.008%). This variant has not been reported in the literature in individuals affected with GFI1-related conditions. ClinVar contains an entry for this variant (Variation ID: 1516040). Invitae Evidence Modeling of protein sequence and biophysical properties (such as structural, functional, and spatial information, amino acid conservation, physicochemical variation, residue mobility, and thermodynamic stability) indicates that this missense variant is not expected to disrupt GFI1 protein function with a negative predictive value of 80%. In summary, the available evidence is currently insufficient to determine the role of this variant in disease. Therefore, it has been classified as a Variant of Uncertain Significance.

Ambry Genetics
Classification: Uncertain significance. Last evaluated: 2024-11-20. Review status: criteria provided, single submitter. Criteria: Ambry Variant Classification Scheme 2023. Collection method: clinical testing. Allele origin: germline.
Comment: The p.E63K variant (also known as c.187G>A), located in coding exon 2 of the GFI1 gene, results from a G to A substitution at nucleotide position 187. The glutamic acid at codon 63 is replaced by lysine, an amino acid with similar properties. This amino acid position is conserved. In addition, this alteration is predicted to be tolerated by in silico analysis. Based on the available evidence, the clinical significance of this variant remains unclear.

NM_005263.5(GFI1):c.187G>A (p.Glu63Lys)

Gene: GFI1 (growth factor independent 1 transcriptional repressor; minus strand). Cytogenetic location: 1p22.1.
Variant type: single nucleotide variant.
Coding change: c.187G>A on transcript NM_005263.5 (MANE Select); coding-DNA position 187, G replaced by A.
Protein change: p.Glu63Lys; replaces glutamic acid 63 with lysine.
Molecular consequence: missense variant.
Genome position (GRCh38, 1-based): chr1:92,482,975, C>T on the plus strand (G>A on the coding strand, the complement: GFI1 is on the minus strand). VCF-style: chr1-92482975-C-T. GRCh37 (hg19) VCF-style: chr1-92948532-C-T.
Other names: c.187G>A (NM_005263.3); c.187G>A, p.Glu63Lys (NM_001127215.3, NM_001127216.3); short protein forms E63K.
Identifiers: ClinVar variation 1516040 (VCV001516040.9), dbSNP rs527842565, ClinGen allele CA951464.